The following is an entry in ClinVar:

ClinVar aggregate classification (germline): Uncertain significance. Review status: criteria provided, multiple submitters, no conflicts (2 of 4 stars). 2 submissions from 2 submitters: Uncertain significance (2). Last evaluated 2023-09-10.

Conditions:
Distal myopathy with posterior leg and anterior hand involvement. Also called: WILLIAMS DISTAL MYOPATHY. Identifiers: Orphanet 63273, MedGen C3279722, MONDO:0013550, OMIM 614065.
Myofibrillar myopathy 5. Also called: Filaminopathy (type); FILAMINOPATHY, AUTOSOMAL DOMINANT. Identifiers: Orphanet 171445, MedGen C1836050, MONDO:0012289, OMIM 609524.
Hypertrophic cardiomyopathy 26. Also called: Cardiomyopathy, familial hypertrophic, 26. Identifiers: Orphanet 75249, MedGen C4310749, MONDO:0014883, OMIM 617047.
Cardiovascular phenotype. Identifiers: MedGen CN230736.

Allele frequency attached by ClinVar (database versions not stated): gnomAD exomes below 0.00001.

Submissions (2):

Labcorp Genetics (formerly Invitae), Labcorp
Classification: Uncertain significance for Distal myopathy with posterior leg and anterior hand involvement; Myofibrillar myopathy 5; Hypertrophic cardiomyopathy 26. Last evaluated: 2023-09-10. Review status: criteria provided, single submitter. Criteria: Invitae Variant Classification Sherloc (09022015). Collection method: clinical testing. Allele origin: germline.
Comment: ClinVar contains an entry for this variant (Variation ID: 472121). This sequence change replaces isoleucine, which is neutral and non-polar, with threonine, which is neutral and polar, at codon 2001 of the FLNC protein (p.Ile2001Thr). This variant is not present in population databases (gnomAD no frequency). This variant has not been reported in the literature in individuals affected with FLNC-related conditions. An algorithm developed to predict the effect of missense changes on protein structure and function (PolyPhen-2) suggests that this variant is likely to be tolerated. In summary, the available evidence is currently insufficient to determine the role of this variant in disease. Therefore, it has been classified as a Variant of Uncertain Significance.

Ambry Genetics
Classification: Uncertain significance for Cardiovascular phenotype. Last evaluated: 2022-10-11. Review status: criteria provided, single submitter. Criteria: Ambry Variant Classification Scheme 2023. Collection method: clinical testing. Allele origin: germline.
Comment: The p.I2001T variant (also known as c.6002T>C), located in coding exon 36 of the FLNC gene, results from a T to C substitution at nucleotide position 6002. The isoleucine at codon 2001 is replaced by threonine, an amino acid with similar properties. This amino acid position is conserved. In addition, the in silico prediction for this alteration is inconclusive. Since supporting evidence is limited at this time, the clinical significance of this alteration remains unclear.

NM_001458.5(FLNC):c.6002T>C (p.Ile2001Thr)

Genes: FLNC-AS1 (FLNC antisense RNA 1; minus strand), FLNC (filamin C; plus strand). Cytogenetic location: 7q32.1.
Variant type: single nucleotide variant.
Coding change: c.6002T>C on transcript NM_001458.5 (MANE Select); coding-DNA position 6002, T replaced by C.
Protein change: p.Ile2001Thr; replaces isoleucine 2001 with threonine.
Molecular consequence: missense variant.
Genome position (GRCh38, 1-based): chr7:128,852,750, T>C. VCF-style: chr7-128852750-T-C. GRCh37 (hg19) VCF-style: chr7-128492804-T-C.
Other names: c.5903T>C, p.Ile1968Thr (NM_001127487.2); short protein forms I2001T, I1968T.
Identifiers: ClinVar variation 472121 (VCV000472121.11), dbSNP rs1554400940, ClinGen allele CA369210816.